The following is an entry in ClinVar:

ClinVar aggregate classification (germline): Uncertain significance (1 of 4 stars; one submission).

Conditions:
Developmental and epileptic encephalopathy, 11 (DEE11). Also called: Early infantile epileptic encephalopathy 11. Identifiers: Orphanet 1934, MedGen C3150987, MONDO:0013388, OMIM 613721.
Seizures, benign familial infantile, 3 (BFIS3). Also called: CONVULSIONS, BENIGN FAMILIAL INFANTILE, 3; Familial neonatal seizures. Identifiers: Orphanet 140927, Orphanet 306, MedGen C1843140, MONDO:0011904, OMIM 607745.

gnomAD v4.1: 12 of 1,613,596 alleles (0.00074%); highest among the groups gnomAD compares: Non-Finnish European, 0.001%; no homozygotes.

Submission:

Labcorp Genetics (formerly Invitae), Labcorp
Classification: Uncertain significance for Seizures, benign familial infantile, 3; Developmental and epileptic encephalopathy, 11. Last evaluated: 2024-04-08. Review status: criteria provided, single submitter. Criteria: Invitae Variant Classification Sherloc (09022015). Collection method: clinical testing. Allele origin: germline.
Comment: This sequence change replaces isoleucine, which is neutral and non-polar, with valine, which is neutral and non-polar, at codon 292 of the SCN2A protein (p.Ile292Val). This variant is present in population databases (rs762484444, gnomAD 0.002%). This variant has not been reported in the literature in individuals affected with SCN2A-related conditions. Advanced modeling of protein sequence and biophysical properties (such as structural, functional, and spatial information, amino acid conservation, physicochemical variation, residue mobility, and thermodynamic stability) performed at Invitae indicates that this missense variant is not expected to disrupt SCN2A protein function with a negative predictive value of 95%. In summary, the available evidence is currently insufficient to determine the role of this variant in disease. Therefore, it has been classified as a Variant of Uncertain Significance.

NM_001040142.2(SCN2A):c.874A>G (p.Ile292Val)

Gene: SCN2A (sodium voltage-gated channel alpha subunit 2; plus strand). Cytogenetic location: 2q24.3.
Variant type: single nucleotide variant.
Coding change: c.874A>G on transcript NM_001040142.2 (MANE Select); coding-DNA position 874, A replaced by G.
Protein change: p.Ile292Val; replaces isoleucine 292 with valine.
Molecular consequence: missense variant.
Genome position (GRCh38, 1-based): chr2:165,310,499, A>G. VCF-style: chr2-165310499-A-G. GRCh37 (hg19) VCF-style: chr2-166167009-A-G.
Other names: c.874A>G, p.Ile292Val (NM_001371246.1, NM_001371247.1, NM_021007.3 and 1 more transcripts); short protein forms I292V.
Identifiers: ClinVar variation 3753654 (VCV003753654.2).